The following is an entry in ClinVar:

NM_001204.7(BMPR2):c.2228A>G (p.Tyr743Cys)

Gene: BMPR2 (bone morphogenetic protein receptor type 2; plus strand). Cytogenetic location: 2q33.2.
Variant type: single nucleotide variant.
Coding change: c.2228A>G on transcript NM_001204.7 (MANE Select); coding-DNA position 2228, A replaced by G.
Protein change: p.Tyr743Cys; replaces tyrosine 743 with cysteine.
Molecular consequence: missense variant.
Genome position (GRCh38, 1-based): chr2:202,555,893, A>G. VCF-style: chr2-202555893-A-G. GRCh37 (hg19) VCF-style: chr2-203420616-A-G.
Other names: short protein forms Y743C.
Identifiers: ClinVar variation 811938 (VCV000811938.13), dbSNP rs148257675, ClinGen allele CA2061508.
Genomic context (GRCh38, chr2:202,555,893, plus strand): 5'-TCACACAGACTGCAAATGGCCAAGCATGTTTGATTCCTGATGTTCTGCCTACTCAGATCT[A>G]TCCTCTCCCCAAGCAGCAGAACCTTCCCAAGAGACCTACTAGTTTGCCTTTGAACACCAA-3'
Protein context (NP_001195.2, residues 733-753): LIPDVLPTQI[Tyr743Cys]PLPKQQNLPK

ClinVar aggregate classification (germline): Uncertain significance. Review status: criteria provided, multiple submitters, no conflicts (2 of 4 stars). 3 submissions from 3 submitters: Uncertain significance (3). Last evaluated 2024-03-04.

Conditions:
Pulmonary hypertension, primary, 1 (PPH1). Also called: Pulmonary hypertension, familial primary, 1, with or without HHT. Identifiers: Orphanet 422, MedGen C4552070, MONDO:0024533, OMIM 178600.
Pulmonary venoocclusive disease 1 (PVOD1). Also called: Pulmonary venoocclusive disease 1, autosomal dominant. Identifiers: Orphanet 31837, MedGen C3887658, MONDO:0020713, OMIM 265450.

Allele frequency attached by ClinVar (database versions not stated): gnomAD exomes 0.00011 and 0.00002; ESP Exome Variant Server 0.00015; gnomAD 0.00005 and 0.00004; TOPMed 0.00006; ExAC 0.00003.
gnomAD v4.1: 168 of 1,614,152 alleles (0.01%); highest among the groups gnomAD compares: Non-Finnish European, 0.013%; no homozygotes.

Submissions (3):

Fulgent Genetics
Classification: Uncertain significance for Pulmonary hypertension, primary, 1; Pulmonary venoocclusive disease 1. Last evaluated: 2024-03-04. Review status: criteria provided, single submitter. Criteria: ACMG Guidelines, 2015. Collection method: clinical testing. Allele origin: germline.

ARUP Laboratories, Molecular Genetics and Genomics, ARUP Laboratories
Classification: Uncertain significance. Last evaluated: 2019-09-02. Review status: criteria provided, single submitter. Criteria: ARUP Molecular Germline Variant Investigation Process. Collection method: clinical testing. Allele origin: germline.
Comment: The BMPR2 c.2228A>G; p.Tyr743Cys variant (rs148257675) has been identified in a patient with Ebstein anomaly, but a causal role for this variant was not established (Sicko 2016). It is observed in the general population at an overall frequency of 0.0032% (9/282862 alleles) in the Genome Aggregation Database. The tyrosine at codon 743 is highly conserved, and computational algorithms (PolyPhen-2, SIFT) predict that this variant is deleterious. However, due to limited information regarding this variant, its clinical significance cannot be determined with certainty. REFERENCES Sicko R et al. Genetic Variants in Isolated Ebstein Anomaly Implicated in Myocardial Development Pathways. PLoS One. 2016 Oct 27;11(10):e0165174.

Illumina Laboratory Services, Illumina
Classification: Uncertain significance for Pulmonary hypertension, primary, 1. Last evaluated: 2018-01-13. Review status: criteria provided, single submitter. Criteria: ICSL Variant Classification Criteria 13 December 2019. Collection method: clinical testing. Allele origin: germline.